The following is an entry in ClinVar:

NM_174936.4(PCSK9):c.208-8G>A

Gene: PCSK9 (proprotein convertase subtilisin/kexin type 9; plus strand). Cytogenetic location: 1p32.3.
Variant type: single nucleotide variant.
Coding change: c.208-8G>A on transcript NM_174936.4 (MANE Select); 8 bases into the intron before coding-DNA position 208, G replaced by A.
Molecular consequence: intron variant.
Genome position (GRCh38, 1-based): chr1:55,043,835, G>A. VCF-style: chr1-55043835-G-A. GRCh37 (hg19) VCF-style: chr1-55509508-G-A.
Other names: c.-168-8G>A (NM_001407246.1); c.331-8G>A (NM_001407240.1); c.208-8G>A (NM_001407242.1, NM_001407241.1, NM_001407244.1 and 2 more transcripts); c.208-2688G>A (NM_001407245.1).
Identifiers: ClinVar variation 3069513 (VCV003069513.1), dbSNP rs2523182265, ClinGen allele CA2574381110.
Genomic context (GRCh38, chr1:55,043,835, plus strand): 5'-AGATAAAGTACACCTAGGGTTTGCTGGGTTTCTTCCATGTCATCATGTTCCTCCTTGCAT[G>A]GGGCCAGGATCCGTGGAGGTTGCCTGGCACCTACGTGGTGGTGCTGAAGGAGGAGACCCA-3'

ClinVar aggregate classification (germline): Uncertain significance (1 of 4 stars; one submission).

Conditions:
Hypercholesterolemia, autosomal dominant, 3 (FHCL3). Also called: PCSK9-Related Familial Hypercholesterolemia, Autosomal Dominant; Familial Hypercholesterolemia, Autosomal Dominant, 3; Familial hypercholesterolemia 3. Identifiers: MedGen C1863551, MONDO:0011369, OMIM 603776.

Submission:

All of Us Research Program, National Institutes of Health
Classification: Uncertain significance for Hypercholesterolemia, autosomal dominant, 3. Last evaluated: 2023-02-24. Review status: criteria provided, single submitter. Criteria: ACMG Guidelines, 2015. Collection method: clinical testing. Allele origin: germline. Inheritance: Autosomal dominant inheritance. Observed: 1 variant allele, 1 heterozygote.
Comment: This variant causes a G to A nucleotide substitution at the -8 position of intron 1 of the PCSK9 gene. Splice site prediction tools predict that this variant may have a significant impact on RNA splicing. Although this prediction has not been confirmed in published RNA studies, this variant is predicted to create a novel acceptor site that would result in an in-frame insertion. To our knowledge, functional studies have not been reported for this variant. This variant has not been reported in individuals affected with PCSK9-related disorders in the literature. This variant has not been identified in the general population by the Genome Aggregation Database (gnomAD). The available evidence is insufficient to determine the role of this variant in disease conclusively. Therefore, this variant is classified as a Variant of Uncertain Significance.

This study involves interpretation of variants in research participants for the purpose of population health screening. Participant phenotype was not available at the time of variant classification. Additional details can be found in publication PMID: 35346344, PMCID: PMC8962531